The following is an entry in ClinVar:

NM_001035.3(RYR2):c.6396G>C (p.Val2132=)

Gene: RYR2 (ryanodine receptor 2; plus strand). Cytogenetic location: 1q43.
Variant type: single nucleotide variant.
Coding change: c.6396G>C on transcript NM_001035.3 (MANE Select); coding-DNA position 6396, G replaced by C.
Protein change: p.Val2132=; no amino-acid change (valine 2132 retained).
Molecular consequence: synonymous variant.
Genome position (GRCh38, 1-based): chr1:237,628,036, G>C. VCF-style: chr1-237628036-G-C. GRCh37 (hg19) VCF-style: chr1-237791336-G-C.
Identifiers: ClinVar variation 3385763 (VCV003385763.1).

ClinVar aggregate classification (germline): Likely benign (1 of 4 stars; one submission).

Conditions:
Catecholaminergic polymorphic ventricular tachycardia (CVPT). Also called: Catecholamine-induced polymorphic ventricular tachycardia. Identifiers: Orphanet 3286, MedGen C5574922, MONDO:0017990.

Submission:

All of Us Research Program, National Institutes of Health
Classification: Likely benign for Catecholaminergic polymorphic ventricular tachycardia. Last evaluated: 2024-06-09. Review status: criteria provided, single submitter. Criteria: ACMG Guidelines, 2015. Collection method: clinical testing. Allele origin: germline. Inheritance: Autosomal dominant inheritance. Observed: 1 variant allele, 1 heterozygote.
Comment: This study involves interpretation of variants in research participants for the purpose of population health screening. Participant phenotype was not available at the time of variant classification. Additional details can be found in publication PMID: 35346344, PMCID: PMC8962531